The following is an entry in ClinVar:

NM_001127222.2(CACNA1A):c.3304G>C (p.Asp1102His)

Gene: CACNA1A (calcium voltage-gated channel subunit alpha1 A; minus strand). Cytogenetic location: 19p13.13.
Variant type: single nucleotide variant.
Coding change: c.3304G>C on transcript NM_001127222.2 (MANE Select); coding-DNA position 3304, G replaced by C.
Protein change: p.Asp1102His; replaces aspartic acid 1102 with histidine.
Molecular consequence: missense variant.
Genome position (GRCh38, 1-based): chr19:13,286,752, C>G on the plus strand (G>C on the coding strand, the complement: CACNA1A is on the minus strand). VCF-style: chr19-13286752-C-G. GRCh37 (hg19) VCF-style: chr19-13397566-C-G.
Other names: c.3316G>C, p.Asp1106His (NM_000068.4, NM_023035.3); c.3307G>C, p.Asp1103His (NM_001127221.2, NM_001174080.2); short protein forms D1102H, D1103H, D1106H.
Identifiers: ClinVar variation 4976085 (VCV004976085.1).

ClinVar aggregate classification (germline): Uncertain significance (1 of 4 stars; one submission).

gnomAD v4.1: 1 of 1,608,514 alleles (0.000062%); highest among the groups gnomAD compares: Non-Finnish European, 0.000085%; no homozygotes.

Submission:

GeneDx
Classification: Uncertain significance. Last evaluated: 2026-02-04. Review status: criteria provided, single submitter. Criteria: GeneDx Variant Classification Process June 2021. Collection method: clinical testing. Allele origin: germline.
Comment: Not observed at significant frequency in large population cohorts (gnomAD); In silico analysis suggests that this missense variant does not alter protein structure/function; Has not been previously published as pathogenic or benign to our knowledge